The following is an entry in ClinVar:

ClinVar aggregate classification (germline): Likely pathogenic (1 of 4 stars; one submission).

Conditions:
LAMA2-related muscular dystrophy (LAMA2-RD). Also called: Laminin alpha 2-related dystrophy. Identifiers: MedGen C5679788, MONDO:0100228.

Submission:

Labcorp Genetics (formerly Invitae), Labcorp
Classification: Likely pathogenic for LAMA2-related muscular dystrophy. Last evaluated: 2023-11-28. Review status: criteria provided, single submitter. Criteria: Invitae Variant Classification Sherloc (09022015). Collection method: clinical testing. Allele origin: germline.
Comment: This sequence change affects a donor splice site in intron 34 of the LAMA2 gene. It is expected to disrupt RNA splicing. Variants that disrupt the donor or acceptor splice site typically lead to a loss of protein function (PMID: 16199547), and loss-of-function variants in LAMA2 are known to be pathogenic (PMID: 18700894, 32904964). This variant is not present in population databases (gnomAD no frequency). This variant has not been reported in the literature in individuals affected with LAMA2-related conditions. ClinVar contains an entry for this variant (Variation ID: 1496886). Algorithms developed to predict the effect of sequence changes on RNA splicing suggest that this variant may disrupt the consensus splice site. In summary, the currently available evidence indicates that the variant is pathogenic, but additional data are needed to prove that conclusively. Therefore, this variant has been classified as Likely Pathogenic.

Literature cited by the submitters: PubMed 16199547; PubMed 18700894; PubMed 32904964.

NM_000426.4(LAMA2):c.4959+1G>A

Gene: LAMA2 (laminin subunit alpha 2; plus strand). Cytogenetic location: 6q22.33.
Variant type: single nucleotide variant.
Coding change: c.4959+1G>A on transcript NM_000426.4 (MANE Select); the canonical splice donor site of the intron after coding-DNA position 4959, G replaced by A.
Molecular consequence: splice donor variant.
Genome position (GRCh38, 1-based): chr6:129,369,991, G>A. VCF-style: chr6-129369991-G-A. GRCh37 (hg19) VCF-style: chr6-129691136-G-A.
Other names: c.4959+1G>A (NM_001079823.2).
Identifiers: ClinVar variation 1496886 (VCV001496886.8), dbSNP rs2114627508, ClinGen allele CA365624755.